The following is an entry in ClinVar:

ClinVar aggregate classification (germline): Pathogenic/Likely pathogenic. Review status: criteria provided, multiple submitters, no conflicts (2 of 4 stars). 3 submissions from 3 submitters: Pathogenic (2); Likely pathogenic (1). Last evaluated 2021-03-22.

Conditions:
X-linked severe combined immunodeficiency (SCIDX1). Also called: IMMUNODEFICIENCY 4; X-Linked Combined Immunodeficiency Diseases; SCID, X-LINKED; SEVERE COMBINED IMMUNODEFICIENCY, X-LINKED, T CELL-NEGATIVE, B CELL-POSITIVE, NK CELL-NEGATIVE; T-B+ severe combined immunodeficiency due to gamma chain deficiency. Identifiers: Orphanet 276, MedGen C6022468, MONDO:0010315, OMIM 300400. Disease mechanism: loss of function.

Submissions (3):

Labcorp Genetics (formerly Invitae), Labcorp
Classification: Pathogenic for X-linked severe combined immunodeficiency. Last evaluated: 2021-03-22. Review status: criteria provided, single submitter. Criteria: Invitae Variant Classification Sherloc (09022015). Collection method: clinical testing. Allele origin: germline.
Comment: For these reasons, this variant has been classified as Pathogenic. Experimental studies have shown that disruption of this splice site results in altered mRNA splicing and is expected to lead to the loss of protein expression (PMID: 28359783). Disruption of this splice site has been observed in individual(s) with severe combined immunodeficiency (PMID: 28359783, Invitae). ClinVar contains an entry for this variant (Variation ID: 36384) This variant is not present in population databases (ExAC no frequency). This sequence change affects an acceptor splice site in intron 2 of the IL2RG gene. It is expected to disrupt RNA splicing. Variants that disrupt the donor or acceptor splice site typically lead to a loss of protein function (PMID: 16199547), and loss-of-function variants in IL2RG are known to be pathogenic (PMID: 9058718, 10794430).

GeneDx
Classification: Pathogenic. Last evaluated: 2015-03-30. Review status: criteria provided, single submitter. Criteria: GeneDx Variant Classification (06012015). Collection method: clinical testing. Allele origin: germline. Affected: yes.
Comment: The c.270-1 G>T splice site variant in the IL2RG gene destroys the canonical spliceacceptor site in intron 2. It is predicted to cause abnormal gene splicing, either leading to an abnormal messagethat is subject to nonsense-mediated mRNA decay, or to an abnormal protein product if the message is usedfor protein translation. The c.270-1 G>T variant was not observed in approximately 6,500 individuals ofEuropean and African American ancestry in the NHLBI Exome Sequencing Project, indicating it is not acommon benign variant in these populations. We interpret the c.270-1 G>T variant as pathogenic.

Women's Health and Genetics/Laboratory Corporation of America, LabCorp
Classification: Likely pathogenic for X-linked Severe Combined Immunodeficiency. Last evaluated: 2011-08-18. Review status: criteria provided, single submitter. Criteria: LabCorp Variant Classification Summary - May 2015. Collection method: curation, clinical testing. Allele origin: germline. Inheritance: Xlinked unknown. Affected: yes.
ClinVar note: Converted during submission from likely pathogenic to Likely pathogenic.

Literature cited by the submitters: PubMed 28359783 (cited by Labcorp Genetics (formerly Invitae), Labcorp); PubMed 16199547 (cited by Labcorp Genetics (formerly Invitae), Labcorp); PubMed 9058718 (cited by Labcorp Genetics (formerly Invitae), Labcorp); PubMed 10794430 (cited by Labcorp Genetics (formerly Invitae), Labcorp).

NM_000206.3(IL2RG):c.270-1G>T

Gene: IL2RG (interleukin 2 receptor subunit gamma; minus strand). Cytogenetic location: Xq13.1.
Variant type: single nucleotide variant.
Coding change: c.270-1G>T on transcript NM_000206.3 (MANE Select); the canonical splice acceptor site of the intron before coding-DNA position 270, G replaced by T.
Molecular consequence: splice acceptor variant.
Genome position (GRCh38, 1-based): chrX:71,110,689, C>A on the plus strand (G>T on the coding strand, the complement: IL2RG is on the minus strand). VCF-style: chrX-71110689-C-A. GRCh37 (hg19) VCF-style: chrX-70330539-C-A.
Identifiers: ClinVar variation 36384 (VCV000036384.11), dbSNP rs193922346, ClinGen allele CA260410.